The following is an entry in ClinVar:

ClinVar aggregate classification (germline): Uncertain significance (1 of 4 stars; one submission).

Conditions:
Spermatogenic failure 28. Identifiers: MedGen C4748117, MONDO:0054732, OMIM 618086.

Allele frequency attached by ClinVar (database versions not stated): gnomAD exomes below 0.00001; TOPMed 0.00001.
gnomAD v4.1: 1 of 1,614,140 alleles (0.000062%); highest among the groups gnomAD compares: African/African-American, 0.0013%; no homozygotes.

Submission:

Baylor Genetics
Classification: Uncertain significance for Spermatogenic failure 28. Last evaluated: 2021-04-08. Review status: criteria provided, single submitter. Criteria: ACMG Guidelines, 2015. Collection method: clinical testing. Allele origin: unknown. Affected: yes. Study: CSER-TexasKidsCanSeq.
Comment: This variant was determined to be of uncertain significance according to ACMG Guidelines, 2015 [PMID:25741868].

NM_020937.4(FANCM):c.5538A>C (p.Glu1846Asp)

Gene: FANCM (FA complementation group M; plus strand). Cytogenetic location: 14q21.2.
Variant type: single nucleotide variant.
Coding change: c.5538A>C on transcript NM_020937.4 (MANE Select); coding-DNA position 5538, A replaced by C.
Protein change: p.Glu1846Asp; replaces glutamic acid 1846 with aspartic acid.
Molecular consequence: missense variant.
Genome position (GRCh38, 1-based): chr14:45,196,369, A>C. VCF-style: chr14-45196369-A-C. GRCh37 (hg19) VCF-style: chr14-45665572-A-C.
Other names: c.5460A>C, p.Glu1820Asp (NM_001308133.2); short protein forms E1820D, E1846D.
Identifiers: ClinVar variation 1327089 (VCV001327089.1), dbSNP rs1416312500, ClinGen allele CA389586071.
Genomic context (GRCh38, chr14:45,196,369, plus strand): 5'-AATCACTTCTGGATTAGAAGTAATTTCTTCCCTAAGAGCAATTCATGGGTTGCAAGTAGA[A>C]GTTTGTCCTCTTAATGGCTGTGATTACATCGTGAGTAATCGCATGGTGGTGGAAAGGAGG-3'
Protein context (NP_065988.1, residues 1836-1856): SLRAIHGLQV[Glu1846Asp]VCPLNGCDYI